The following is an entry in ClinVar:

NM_001394998.1(TANC2):c.2759_2760delinsGT (p.Glu920Gly)

Genes: TANC2 (tetratricopeptide repeat, ankyrin repeat and coiled-coil containing 2; plus strand), LOC105371856 (uncharacterized LOC105371856; minus strand). Cytogenetic location: 17q23.3.
Variant type: Indel.
Coding change: c.2759_2760delinsGT on transcript NM_001394998.1 (MANE Select); coding-DNA positions 2759 to 2760, AA replaced by GT.
Protein change: p.Glu920Gly; replaces glutamic acid 920 with glycine.
Molecular consequence: missense variant.
Genome position (GRCh38, 1-based): chr17:63,388,702-63,388,703, AA replaced by GT. VCF-style: chr17-63388702-AA-GT. GRCh37 (hg19) VCF-style: chr17-61466063-AA-GT.
Other names: c.2537_2538delinsGT, p.Glu846Gly (NM_001411076.1, NM_025185.4); short protein forms E920G, E846G.
Identifiers: ClinVar variation 4055942 (VCV004055942.1).

ClinVar aggregate classification (germline): Uncertain significance (1 of 4 stars; one submission).

Submission:

GeneDx
Classification: Uncertain significance. Last evaluated: 2025-01-03. Review status: criteria provided, single submitter. Criteria: GeneDx Variant Classification Process June 2021. Collection method: clinical testing. Allele origin: germline. Affected: yes.
Comment: Not observed at significant frequency in large population cohorts (gnomAD); In silico analysis supports a deleterious effect on protein structure/function; Has not been previously published as pathogenic or benign to our knowledge